The following is an entry in ClinVar:

NM_000102.4(CYP17A1):c.932_939del (p.Val311fs)

Genes: CYP17A1 (cytochrome P450 family 17 subfamily A member 1; minus strand), CYP17A1-AS1 (CYP17A1 antisense RNA 1; plus strand). Cytogenetic location: 10q24.32.
Variant type: Deletion.
Coding change: c.932_939del on transcript NM_000102.4 (MANE Select); coding-DNA positions 932 to 939, 8 bases deleted (TTAAATGG; older notation c.932_939delTTAAATGG).
Protein change: p.Val311fs; shifts the reading frame from valine 311.
Molecular consequence: frameshift variant.
Genome position (GRCh38, 1-based): chr10:102,833,023-102,833,030, CCATTTAA deleted on the plus strand (TTAAATGG on the coding strand, the reverse complement: CYP17A1 is on the minus strand); deleting any 8 consecutive bases within chr10:102,833,023-102,833,033 gives the same sequence; the c. name uses the placement nearest the transcript's 3' end. VCF-style (leftmost placement, unchanged base first): chr10-102833022-TCCATTTAA-T. GRCh37 (hg19) VCF-style: chr10-104592779-TCCATTTAA-T.
Other names: short protein forms V311fs.
Identifiers: ClinVar variation 839722 (VCV000839722.9), dbSNP rs1844112588, ClinGen allele CA916083107.

ClinVar aggregate classification (germline): Pathogenic (1 of 4 stars; one submission).

Submission:

Labcorp Genetics (formerly Invitae), Labcorp
Classification: Pathogenic. Last evaluated: 2023-01-26. Review status: criteria provided, single submitter. Criteria: Invitae Variant Classification Sherloc (09022015). Collection method: clinical testing. Allele origin: germline.
Comment: For these reasons, this variant has been classified as Pathogenic. ClinVar contains an entry for this variant (Variation ID: 839722). This variant is also known as c.989_996del, c.929_940del, and p.V310_W313del. This premature translational stop signal has been observed in individual(s) with congenital adrenal hyperplasia (PMID: 16772352, 25697092). This variant is not present in population databases (gnomAD no frequency). This sequence change creates a premature translational stop signal (p.Val311Aspfs*20) in the CYP17A1 gene. It is expected to result in an absent or disrupted protein product. Loss-of-function variants in CYP17A1 are known to be pathogenic (PMID: 10720067, 14747197, 17192295, 20197673, 24140098).

Literature cited by the submitters: PubMed 16772352; PubMed 25697092; PubMed 10720067; PubMed 14747197; PubMed 17192295; PubMed 20197673; PubMed 24140098.